The following is an entry in ClinVar:

NM_001267550.2(TTN):c.36532+3A>G

Gene: TTN (titin; minus strand). Cytogenetic location: 2q31.2.
Variant type: single nucleotide variant.
Coding change: c.36532+3A>G on transcript NM_001267550.2 (MANE Select); 3 bases into the intron after coding-DNA position 36532, A replaced by G.
Molecular consequence: intron variant.
Genome position (GRCh38, 1-based): chr2:178,663,624, T>C on the plus strand (A>G on the coding strand, the complement: TTN is on the minus strand). VCF-style: chr2-178663624-T-C. GRCh37 (hg19) VCF-style: chr2-179528351-T-C.
Other names: c.13283-21307A>G (NM_003319.4); c.13859-21307A>G (NM_133437.4); c.13658-21307A>G (NM_133432.3); c.31484-569A>G (NM_133378.4); c.34265-569A>G (NM_001256850.1).
Identifiers: ClinVar variation 2933882 (VCV002933882.3), dbSNP rs2472902083, ClinGen allele CA2740096193.
Genomic context (GRCh38, chr2:178,663,624, plus strand): 5'-AGAAAAATATTTTCCAGAGCAGAAGAGATACATCATCTGAAGCCTAAAATCAGTGACAAA[T>C]ACCTTTAACAGGTGGGACTTCAGGCTCTTTAGGAGGAGCCACTGGCGCTTTCTTTTCAGG-3'

ClinVar aggregate classification (germline): Uncertain significance (1 of 4 stars; one submission).

Conditions:
Dilated cardiomyopathy 1G (CMD1G). Identifiers: Orphanet 154, MedGen C1858763, MONDO:0011400, OMIM 604145.
Autosomal recessive limb-girdle muscular dystrophy type 2J (LGMDR10). Also called: Limb-girdle muscular dystrophy, type 2J; MUSCULAR DYSTROPHY, LIMB-GIRDLE, AUTOSOMAL RECESSIVE 10. Identifiers: Orphanet 140922, MedGen C1837342, MONDO:0012127, OMIM 608807.

Submission:

Labcorp Genetics (formerly Invitae), Labcorp
Classification: Uncertain significance for Dilated cardiomyopathy 1G; Autosomal recessive limb-girdle muscular dystrophy type 2J. Last evaluated: 2023-03-09. Review status: criteria provided, single submitter. Criteria: Invitae Variant Classification Sherloc (09022015). Collection method: clinical testing. Allele origin: germline.
Comment: In summary, the available evidence is currently insufficient to determine the role of this variant in disease. Therefore, it has been classified as a Variant of Uncertain Significance. Variants that disrupt the consensus splice site are a relatively common cause of aberrant splicing (PMID: 17576681, 9536098). Algorithms developed to predict the effect of sequence changes on RNA splicing suggest that this variant may disrupt the consensus splice site. This variant has not been reported in the literature in individuals affected with TTN-related conditions. This variant is not present in population databases (gnomAD no frequency). This sequence change falls in intron 171 of the TTN gene. It does not directly change the encoded amino acid sequence of the TTN protein. It affects a nucleotide within the consensus splice site. This variant is located in the I band of TTN (PMID: 25589632). Variants in this region may be clinically relevant, but have not been definitively shown to cause cardiomyopathy or neuromuscular disease (PMID: 27493940, 32778822).

Literature cited by the submitters: PubMed 17576681; PubMed 9536098; PubMed 25589632; PubMed 27493940; PubMed 32778822.